The following is an entry in ClinVar:

NM_006031.6(PCNT):c.3981G>A (p.Ala1327=)

Gene: PCNT (pericentrin; plus strand). Cytogenetic location: 21q22.3.
Variant type: single nucleotide variant.
Coding change: c.3981G>A on transcript NM_006031.6 (MANE Select); coding-DNA position 3981, G replaced by A.
Protein change: p.Ala1327=; no amino-acid change (alanine 1327 retained).
Molecular consequence: synonymous variant.
Genome position (GRCh38, 1-based): chr21:46,390,810, G>A. VCF-style: chr21-46390810-G-A. GRCh37 (hg19) VCF-style: chr21-47810725-G-A.
Other names: c.3627G>A, p.Ala1209= (NM_001315529.2); c.3981G>A (NM_006031.5).
Identifiers: ClinVar variation 2144801 (VCV002144801.13), dbSNP rs755440647, ClinGen allele CA10079496.

ClinVar aggregate classification (germline): Likely benign. Review status: criteria provided, multiple submitters, no conflicts (2 of 4 stars). 3 submissions from 3 submitters: Likely benign (2). 1 of the submissions does not count toward it. Last evaluated 2025-09-01.

Conditions:
PCNT-related disorder. Also called: PCNT-related condition.

Allele frequency attached by ClinVar (database versions not stated): gnomAD 0.00002; gnomAD exomes 0.00002; TOPMed 0.00003; ExAC 0.00006.
gnomAD v4.1: 28 of 1,609,722 alleles (0.0017%); highest among the groups gnomAD compares: Admixed American, 0.035%; no homozygotes.

Submissions (3):

CeGaT Center for Human Genetics Tuebingen
Classification: Likely benign. Last evaluated: 2025-09-01. Review status: criteria provided, single submitter. Criteria: CeGaT Center For Human Genetics Tuebingen Variant Classification Criteria Version 2. Collection method: clinical testing. Allele origin: germline. Affected: yes. Observed: 1 variant allele.
Comment: PCNT: BP4, BP7

Labcorp Genetics (formerly Invitae), Labcorp
Classification: Likely benign. Last evaluated: 2022-09-30. Review status: criteria provided, single submitter. Criteria: Invitae Variant Classification Sherloc (09022015). Collection method: clinical testing. Allele origin: germline.

PreventionGenetics, part of Exact Sciences
Classification: Likely benign for PCNT-related condition. Last evaluated: 2022-01-18. Review status: no assertion criteria provided. Collection method: clinical testing. Allele origin: germline. Not counted in ClinVar's aggregate classification.
Comment: This variant is classified as likely benign based on ACMG/AMP sequence variant interpretation guidelines (Richards et al. 2015 PMID: 25741868, with internal and published modifications).